The following is an entry in ClinVar:

ClinVar aggregate classification (germline): Uncertain significance (1 of 4 stars; one submission).

Submission:

Ambry Genetics
Classification: Uncertain significance. Last evaluated: 2022-12-05. Review status: criteria provided, single submitter. Criteria: Ambry Variant Classification Scheme 2023. Collection method: clinical testing. Allele origin: germline.
Comment: The p.A916P variant (also known as c.2746G>C), located in coding exon 15 of the PALLD gene, results from a G to C substitution at nucleotide position 2746. The alanine at codon 916 is replaced by proline, an amino acid with highly similar properties. This amino acid position is conserved. In addition, the in silico prediction for this alteration is inconclusive. Since supporting evidence is limited at this time, the clinical significance of this alteration remains unclear.

NM_001166108.2(PALLD):c.2797G>C (p.Ala933Pro)

Genes: CBR4 (carbonyl reductase 4; minus strand), PALLD (palladin, cytoskeletal associated protein; plus strand). Cytogenetic location: 4q32.3.
Variant type: single nucleotide variant.
Coding change: c.2797G>C on transcript NM_001166108.2 (MANE Select); coding-DNA position 2797, G replaced by C.
Protein change: p.Ala933Pro; replaces alanine 933 with proline.
Molecular consequence: missense variant.
Genome position (GRCh38, 1-based): chr4:168,915,974, G>C. VCF-style: chr4-168915974-G-C. GRCh37 (hg19) VCF-style: chr4-169837125-G-C.
Other names: c.1600G>C, p.Ala534Pro (NM_001166109.2); c.1285G>C, p.Ala429Pro (NM_001166110.2); c.625G>C, p.Ala209Pro (NM_001367567.1, NM_001367569.1); c.676G>C, p.Ala226Pro (NM_001367568.1, NM_001367570.1); c.2746G>C, p.Ala916Pro (NM_016081.4); short protein forms A226P, A534P, A933P, A209P, A429P, A916P.
Identifiers: ClinVar variation 2497004 (VCV002497004.2), dbSNP rs755556663, ClinGen allele CA3135960.